The following is an entry in ClinVar:

NM_001365999.1(SZT2):c.7681T>C (p.Phe2561Leu)

Gene: SZT2 (SZT2 subunit of KICSTOR complex; plus strand). Cytogenetic location: 1p34.2.
Variant type: single nucleotide variant.
Coding change: c.7681T>C on transcript NM_001365999.1 (MANE Select); coding-DNA position 7681, T replaced by C.
Protein change: p.Phe2561Leu; replaces phenylalanine 2561 with leucine.
Molecular consequence: missense variant.
Genome position (GRCh38, 1-based): chr1:43,441,757, T>C. VCF-style: chr1-43441757-T-C. GRCh37 (hg19) VCF-style: chr1-43907428-T-C.
Other names: c.7510T>C, p.Phe2504Leu (NM_015284.4); short protein forms F2561L, F2504L.
Identifiers: ClinVar variation 948556 (VCV000948556.12), dbSNP rs148506515, ClinGen allele CA810292.
Genomic context (GRCh38, chr1:43,441,757, plus strand): 5'-GTGTCCAGAAGCTCTGCCCACATGGTGTCCCGGTTCCTCCTTCCATCCATCCTGTCTGAG[T>C]TCACCGCACTGGTCACCTCAATGGCTGGAGACACCAGTGTCCGCATCTTTGAGCAGCATT-3'
Protein context (NP_001352928.1, residues 2551-2571): RFLLPSILSE[Phe2561Leu]TALVTSMAGD

ClinVar aggregate classification (germline): Uncertain significance. Review status: criteria provided, multiple submitters, no conflicts (2 of 4 stars). 6 submissions from 6 submitters: Uncertain significance (6). Last evaluated 2025-01-06.

Conditions:
Developmental and epileptic encephalopathy, 18 (DEE18). Also called: Early infantile epileptic encephalopathy 18. Identifiers: Orphanet 369894, MedGen C3809624, MONDO:0014201, OMIM 615476.
Inborn genetic diseases. Identifiers: MedGen C0950123, MeSH D030342.

Allele frequency attached by ClinVar (database versions not stated): TOPMed below 0.00001; gnomAD 0.00001; gnomAD exomes 0.00003 and 0.00004; ExAC 0.00004; ESP Exome Variant Server 0.00008.
gnomAD v4.1: 64 of 1,614,068 alleles (0.004%); highest among the groups gnomAD compares: Middle Eastern, 0.26%; no homozygotes.

Submissions (6):

Labcorp Genetics (formerly Invitae), Labcorp
Classification: Uncertain significance. Last evaluated: 2025-01-06. Review status: criteria provided, single submitter. Criteria: Invitae Variant Classification Sherloc (09022015). Collection method: clinical testing. Allele origin: germline.
Comment: This sequence change replaces phenylalanine, which is neutral and non-polar, with leucine, which is neutral and non-polar, at codon 2504 of the SZT2 protein (p.Phe2504Leu). This variant is present in population databases (rs148506515, gnomAD 0.006%). This variant has not been reported in the literature in individuals affected with SZT2-related conditions. ClinVar contains an entry for this variant (Variation ID: 948556). Invitae Evidence Modeling of protein sequence and biophysical properties (such as structural, functional, and spatial information, amino acid conservation, physicochemical variation, residue mobility, and thermodynamic stability) indicates that this missense variant is not expected to disrupt SZT2 protein function with a negative predictive value of 80%. In summary, the available evidence is currently insufficient to determine the role of this variant in disease. Therefore, it has been classified as a Variant of Uncertain Significance.

Genome-Nilou Lab
Classification: Uncertain significance for Developmental and epileptic encephalopathy, 18. Last evaluated: 2023-04-11. Review status: criteria provided, single submitter. Criteria: ACMG Guidelines, 2015. Collection method: clinical testing. Allele origin: germline. Affected: no.

GeneDx
Classification: Uncertain significance. Last evaluated: 2021-05-18. Review status: criteria provided, single submitter. Criteria: GeneDx Variant Classification Process June 2021. Collection method: clinical testing. Allele origin: germline. Affected: yes.
Comment: Not observed at a significant frequency in large population cohorts (Lek et al., 2016); In silico analysis supports that this missense variant does not alter protein structure/function; Has not been previously published as pathogenic or benign to our knowledge

Athena Diagnostics
Classification: Uncertain significance. Last evaluated: 2020-11-16. Review status: criteria provided, single submitter. Criteria: Athena Diagnostics criteria. Collection method: clinical testing. Allele origin: unknown.

Ambry Genetics
Classification: Uncertain significance for Inborn genetic diseases. Last evaluated: 2018-01-03. Review status: criteria provided, single submitter. Criteria: Ambry Variant Classification Scheme 2023. Collection method: clinical testing. Allele origin: germline.
Comment: The p.F2504L variant (also known as c.7510T>C), located in coding exon 54 of the SZT2 gene, results from a T to C substitution at nucleotide position 7510. The phenylalanine at codon 2504 is replaced by leucine, an amino acid with highly similar properties. This amino acid position is not well conserved in available vertebrate species. In addition, this alteration is predicted to be tolerated by in silico analysis. Since supporting evidence is limited at this time, the clinical significance of this alteration remains unclear.

Breakthrough Genomics
Classification: Uncertain significance. Review status: criteria provided, single submitter. Criteria: ACMG Guidelines, 2015. Collection method: not provided. Allele origin: germline. Inheritance: Autosomal recessive inheritance. Affected: yes.